The following is an entry in ClinVar:

NM_001164508.2(NEB):c.18228_18229insCC (p.Arg6077fs)

Gene: NEB (nebulin; minus strand). Cytogenetic location: 2q23.3.
Variant type: Insertion.
Coding change: c.18228_18229insCC on transcript NM_001164508.2 (MANE Select); coding-DNA positions 18228 to 18229, CC inserted.
Protein change: p.Arg6077fs; shifts the reading frame from arginine 6077.
Molecular consequence: frameshift variant.
Genome position: GRCh38 VCF-style: chr2-151565748-T-TGG. GRCh37 (hg19) VCF-style: chr2-152422262-T-TGG.
Other names: c.18228_18229insCC, p.Arg6077fs (NM_001164507.2, NM_001271208.2); c.13125_13126insCC, p.Arg4376fs (NM_004543.5); short protein forms R6077fs, R4376fs.
Identifiers: ClinVar variation 2692525 (VCV002692525.3), dbSNP rs2552192665, ClinGen allele CA2697551165.

ClinVar aggregate classification (germline): Pathogenic/Likely pathogenic. Review status: criteria provided, multiple submitters, no conflicts (2 of 4 stars). 2 submissions from 2 submitters: Pathogenic (1); Likely pathogenic (1). Last evaluated 2023-12-22.

Conditions:
Nemaline myopathy 2 (NEM2). Also called: Nemaline myopathy 2, autosomal recessive. Identifiers: MedGen C1850569, MONDO:0009725, OMIM 256030.

Submissions (2):

Greenwood Genetic Center Diagnostic Laboratories, Greenwood Genetic Center
Classification: Likely pathogenic for Nemaline myopathy 2. Last evaluated: 2023-12-22. Review status: criteria provided, single submitter. Criteria: ACMG Guidelines, 2015. Collection method: clinical testing. Allele origin: germline. Affected: yes.
Comment: PVS1, PM2

Labcorp Genetics (formerly Invitae), Labcorp
Classification: Pathogenic for Nemaline myopathy 2. Last evaluated: 2023-11-05. Review status: criteria provided, single submitter. Criteria: Invitae Variant Classification Sherloc (09022015). Collection method: clinical testing. Allele origin: germline.
Comment: This sequence change creates a premature translational stop signal (p.Arg6077Profs*9) in the NEB gene. It is expected to result in an absent or disrupted protein product. Loss-of-function variants in NEB are known to be pathogenic (PMID: 25205138). This variant is not present in population databases (gnomAD no frequency). This variant has not been reported in the literature in individuals affected with NEB-related conditions. For these reasons, this variant has been classified as Pathogenic.

Literature cited by the submitters: PubMed 25205138 (cited by Labcorp Genetics (formerly Invitae), Labcorp).